The following is an entry in ClinVar:

ClinVar aggregate classification (germline): Benign. Review status: criteria provided, multiple submitters, no conflicts (2 of 4 stars). 2 submissions from 2 submitters: Benign (2). Last evaluated 2019-01-11.

Allele frequency attached by ClinVar (database versions not stated): 1000 Genomes Project 0.28175; 1000 Genomes Project 30x 0.29247; gnomAD exomes 0.40672 and 0.48813; ExAC 0.41468; TOPMed 0.43144; gnomAD 0.44914 and 0.46319; ESP Exome Variant Server 0.48185.

Submissions (2):

GeneDx
Classification: Benign. Last evaluated: 2019-01-11. Review status: criteria provided, single submitter. Criteria: GeneDx Variant Classification Process June 2021. Collection method: clinical testing. Allele origin: germline. Affected: yes.
Comment: This variant is associated with the following publications: (PMID: 29874175)

Breakthrough Genomics
Classification: Benign. Review status: criteria provided, single submitter. Criteria: ACMG Guidelines, 2015. Collection method: not provided. Allele origin: germline. Inheritance: Unknown mechanism. Affected: yes.

NM_152491.5(PM20D1):c.1139T>C (p.Ile380Thr)

Gene: PM20D1 (peptidase M20 domain containing 1; minus strand). Cytogenetic location: 1q32.1.
Variant type: single nucleotide variant.
Coding change: c.1139T>C on transcript NM_152491.5 (MANE Select); coding-DNA position 1139, T replaced by C.
Protein change: p.Ile380Thr; replaces isoleucine 380 with threonine.
Molecular consequence: missense variant. On other transcripts: non-coding transcript variant (1).
Genome position (GRCh38, 1-based): chr1:205,832,744, A>G on the plus strand (T>C on the coding strand, the complement: PM20D1 is on the minus strand). VCF-style: chr1-205832744-A-G. GRCh37 (hg19) VCF-style: chr1-205801872-A-G.
Other names: short protein forms I380T.
Identifiers: ClinVar variation 1297905 (VCV001297905.3), dbSNP rs1361754, ClinGen allele CA1357632.